The following is an entry in ClinVar:

ClinVar aggregate classification (germline): Uncertain significance (1 of 4 stars; one submission).

Conditions:
Frontotemporal dementia and/or amyotrophic lateral sclerosis 1 (FTDALS1). Also called: C9orf72 Frontotemporal Dementia and/or Amyotrophic Lateral Sclerosis; Frontotemporal dementia with motor neuron disease 1. Identifiers: Orphanet 275872, MedGen C5779877, MONDO:0007105, OMIM 105550.
Paget disease of bone 2, early-onset (PDB2). Also called: Paget disease of bone 2. Identifiers: MedGen C4085251, MONDO:0011183, OMIM 602080.

gnomAD v4.1: 5 of 1,614,126 alleles (0.00031%); highest among the groups gnomAD compares: South Asian, 0.0022%; no homozygotes.

Submission:

Labcorp Genetics (formerly Invitae), Labcorp
Classification: Uncertain significance for Paget disease of bone 2, early-onset; Frontotemporal dementia and/or amyotrophic lateral sclerosis 1. Last evaluated: 2025-07-13. Review status: criteria provided, single submitter. Criteria: Invitae Variant Classification Sherloc (09022015). Collection method: clinical testing. Allele origin: germline.
Comment: This sequence change replaces proline, which is neutral and non-polar, with serine, which is neutral and polar, at codon 359 of the SQSTM1 protein (p.Pro359Ser). This variant is present in population databases (rs575125039, gnomAD 0.006%). This variant has not been reported in the literature in individuals affected with SQSTM1-related conditions. Invitae Evidence Modeling of protein sequence and biophysical properties (such as structural, functional, and spatial information, amino acid conservation, physicochemical variation, residue mobility, and thermodynamic stability) indicates that this missense variant is not expected to disrupt SQSTM1 protein function with a negative predictive value of 80%. In summary, the available evidence is currently insufficient to determine the role of this variant in disease. Therefore, it has been classified as a Variant of Uncertain Significance.

NM_003900.5(SQSTM1):c.1075C>T (p.Pro359Ser)

Gene: SQSTM1 (sequestosome 1; plus strand). Cytogenetic location: 5q35.3.
Variant type: single nucleotide variant.
Coding change: c.1075C>T on transcript NM_003900.5 (MANE Select); coding-DNA position 1075, C replaced by T.
Protein change: p.Pro359Ser; replaces proline 359 with serine.
Molecular consequence: missense variant.
Genome position (GRCh38, 1-based): chr5:179,833,692, C>T. VCF-style: chr5-179833692-C-T. GRCh37 (hg19) VCF-style: chr5-179260692-C-T.
Other names: c.823C>T, p.Pro275Ser (NM_001142298.2, NM_001142299.2); short protein forms P275S, P359S.
Identifiers: ClinVar variation 4788651 (VCV004788651.1).